The following is an entry in ClinVar:

NM_000883.4(IMPDH1):c.179C>T (p.Thr60Ile)

Gene: IMPDH1 (inosine monophosphate dehydrogenase 1; minus strand). Cytogenetic location: 7q32.1.
Variant type: single nucleotide variant.
Coding change: c.179C>T on transcript NM_000883.4 (MANE Select); coding-DNA position 179, C replaced by T.
Protein change: p.Thr60Ile; replaces threonine 60 with isoleucine.
Molecular consequence: missense variant. On other transcripts: intron variant (3).
Genome position (GRCh38, 1-based): chr7:128,409,452, G>A on the plus strand (C>T on the coding strand, the complement: IMPDH1 is on the minus strand). VCF-style: chr7-128409452-G-A. GRCh37 (hg19) VCF-style: chr7-128049506-G-A.
Other names: c.179C>T, p.Thr60Ile (NM_001142576.2); c.146+304C>T (NM_001304521.2, NM_183243.3); c.147-86C>T (NM_001102605.2); short protein forms T60I.
Identifiers: ClinVar variation 1901653 (VCV001901653.5), dbSNP rs964511377, ClinGen allele CA166137507.

ClinVar aggregate classification (germline): Uncertain significance (1 of 4 stars; one submission).

Allele frequency attached by ClinVar (database versions not stated): gnomAD exomes 0.00001.
gnomAD v4.1: 7 of 1,614,228 alleles (0.00043%); highest among the groups gnomAD compares: Non-Finnish European, 0.00051%; no homozygotes.

Submission:

Labcorp Genetics (formerly Invitae), Labcorp
Classification: Uncertain significance. Last evaluated: 2022-02-16. Review status: criteria provided, single submitter. Criteria: Invitae Variant Classification Sherloc (09022015). Collection method: clinical testing. Allele origin: germline.
Comment: In summary, the available evidence is currently insufficient to determine the role of this variant in disease. Therefore, it has been classified as a Variant of Uncertain Significance. Algorithms developed to predict the effect of missense changes on protein structure and function output the following: SIFT: "Deleterious"; PolyPhen-2: "Benign"; Align-GVGD: "Class C0". The isoleucine amino acid residue is found in multiple mammalian species, which suggests that this missense change does not adversely affect protein function. This variant has not been reported in the literature in individuals affected with IMPDH1-related conditions. This variant is not present in population databases (gnomAD no frequency). This sequence change replaces threonine, which is neutral and polar, with isoleucine, which is neutral and non-polar, at codon 60 of the IMPDH1 protein (p.Thr60Ile).